The following is an entry in ClinVar:

ClinVar aggregate classification (germline): Uncertain significance (1 of 4 stars; one submission).

Submission:

Labcorp Genetics (formerly Invitae), Labcorp
Classification: Uncertain significance. Last evaluated: 2025-04-05. Review status: criteria provided, single submitter. Criteria: Invitae Variant Classification Sherloc (09022015). Collection method: clinical testing. Allele origin: germline.
Comment: This sequence change replaces glycine, which is neutral and non-polar, with valine, which is neutral and non-polar, at codon 195 of the POLR2A protein (p.Gly195Val). This variant is not present in population databases (gnomAD no frequency). This variant has not been reported in the literature in individuals affected with POLR2A-related conditions. An algorithm developed to predict the effect of missense changes on protein structure and function (PolyPhen-2) suggests that this variant is likely to be disruptive. Algorithms developed to predict the effect of sequence changes on RNA splicing suggest that this variant may create or strengthen a splice site. In summary, the available evidence is currently insufficient to determine the role of this variant in disease. Therefore, it has been classified as a Variant of Uncertain Significance.

NM_000937.5(POLR2A):c.584G>T (p.Gly195Val)

Gene: POLR2A (RNA polymerase II subunit A; plus strand). Cytogenetic location: 17p13.1.
Variant type: single nucleotide variant.
Coding change: c.584G>T on transcript NM_000937.5 (MANE Select); coding-DNA position 584, G replaced by T.
Protein change: p.Gly195Val; replaces glycine 195 with valine.
Molecular consequence: missense variant.
Genome position (GRCh38, 1-based): chr17:7,496,810, G>T. VCF-style: chr17-7496810-G-T. GRCh37 (hg19) VCF-style: chr17-7400129-G-T.
Other names: short protein forms G195V.
Identifiers: ClinVar variation 4716748 (VCV004716748.1).